The following is an entry in ClinVar:

NM_000784.4(CYP27A1):c.1333C>T (p.Gln445Ter)

Gene: CYP27A1 (cytochrome P450 family 27 subfamily A member 1; plus strand). Cytogenetic location: 2q35.
Variant type: single nucleotide variant.
Coding change: c.1333C>T on transcript NM_000784.4 (MANE Select); coding-DNA position 1333, C replaced by T.
Protein change: p.Gln445Ter; replaces glutamine 445 with a stop codon.
Molecular consequence: nonsense.
Genome position (GRCh38, 1-based): chr2:218,814,614, C>T. VCF-style: chr2-218814614-C-T. GRCh37 (hg19) VCF-style: chr2-219679337-C-T.
Other names: c.1333C>T (NM_000784.3); short protein forms Q445*.
Identifiers: ClinVar variation 1385057 (VCV001385057.12), dbSNP rs1325218192, ClinGen allele CA350594234.

ClinVar aggregate classification (germline): Pathogenic. Review status: criteria provided, multiple submitters, no conflicts (2 of 4 stars). 4 submissions from 4 submitters: Pathogenic (4). Last evaluated 2026-02-09.

Conditions:
Cholestanol storage disease (CTX). Also called: Cerebrotendinous Xanthomatosis; CTX: Cerebrotendinous xanthomatosis; CEREBRAL CHOLESTERINOSIS. Identifiers: Orphanet 909, MedGen C0238052, MONDO:0008948, OMIM 213700.

Allele frequency attached by ClinVar (database versions not stated): gnomAD exomes below 0.00001; TOPMed 0.00001.
gnomAD v4.1: 1 of 1,614,198 alleles (0.000062%); highest among the groups gnomAD compares: Non-Finnish European, 0.000085%; no homozygotes.

Submissions (4):

Myriad Genetics, Inc.
Classification: Pathogenic for Cholestanol storage disease. Last evaluated: 2026-02-09. Review status: criteria provided, single submitter. Criteria: Myriad Autosomal Dominant, Autosomal Recessive and X-Linked Classification Criteria (2023). Collection method: clinical testing. Allele origin: unknown.
Comment: NM_000784.3(CYP27A1):c.1333C>T(Q445*) is a nonsense variant classified as pathogenic in the context of cerebrotendinous xanthomatosis. Q445* has been observed in cases with relevant disease (PMID: 20602799, 31384146). Relevant functional assessments of this variant are not available in the literature. Q445* has been observed in referenced population frequency databases. In summary, NM_000784.3(CYP27A1):c.1333C>T(Q445*) is a nonsense variant in a gene where loss of function is a known mechanism of disease, is predicted to disrupt protein function, and has been observed more frequently in cases with the relevant disease than in healthy populations. Please note: this variant was assessed in the context of healthy population screening.

Natera, Inc.
Classification: Pathogenic for Cerebrotendinous xanthomatosis. Last evaluated: 2025-01-21. Review status: criteria provided, single submitter. Criteria: Natera Variant Classification Schema (03/2026). Collection method: clinical testing. Allele origin: germline.
Comment: The c.1333C>T variant in CYP27A1 is a nonsense variant predicted to introduce a stop codon at amino acid 445. This variant is expected to result in nonsense mediated decay, truncation, or a dysfunctional protein product. This variant is rare in the general population with a frequency below the threshold expected for the associated phenotype(s). This variant has been observed in one or more individuals affected with the associated recessive disease, as either homozygous or compound heterozygous with a second variant (PMID: 31384146, 20602799, 38772327). Additionally, this variant has been observed to segregate in affected family members (PMID: 31384146, 20602799, 38772327). Given the available evidence, this variant is classified as Pathogenic.

Fulgent Genetics
Classification: Pathogenic for Cholestanol storage disease. Last evaluated: 2024-03-04. Review status: criteria provided, single submitter. Criteria: ACMG Guidelines, 2015. Collection method: clinical testing. Allele origin: germline.

Labcorp Genetics (formerly Invitae), Labcorp
Classification: Pathogenic for Cholestanol storage disease. Last evaluated: 2021-10-18. Review status: criteria provided, single submitter. Criteria: Invitae Variant Classification Sherloc (09022015). Collection method: clinical testing. Allele origin: germline.
Comment: For these reasons, this variant has been classified as Pathogenic. This premature translational stop signal has been observed in individual(s) with cerebrotendinous xanthomatosis (PMID: 20602799). In at least one individual the data is consistent with the variant being in trans (on the opposite chromosome) from a pathogenic variant. This variant is not present in population databases (ExAC no frequency). This sequence change creates a premature translational stop signal (p.Gln445*) in the CYP27A1 gene. It is expected to result in an absent or disrupted protein product. Loss-of-function variants in CYP27A1 are known to be pathogenic (PMID: 9392430, 10775536, 26937392).

Literature cited by the submitters: PubMed 20602799 (cited by 3 submitters); PubMed 31384146 (cited by Myriad Genetics, Inc. and Natera, Inc.); PubMed 38772327 (cited by Natera, Inc.); PubMed 9392430 (cited by Labcorp Genetics (formerly Invitae), Labcorp); PubMed 10775536 (cited by Labcorp Genetics (formerly Invitae), Labcorp); PubMed 26937392 (cited by Labcorp Genetics (formerly Invitae), Labcorp).